The following is an entry in ClinVar:

ClinVar aggregate classification (germline): Pathogenic/Likely pathogenic. Review status: criteria provided, multiple submitters, no conflicts (2 of 4 stars). 6 submissions from 6 submitters: Pathogenic (4); Likely pathogenic (1). 1 of the submissions does not count toward it. Last evaluated 2025-06-02.

Conditions:
WDR37-related disorder. Also called: WDR37-related condition.
Neurooculocardiogenitourinary syndrome. Identifiers: Orphanet 684305, MedGen C5231443, MONDO:0032850, OMIM 618652.
Congenital ocular coloboma. Also called: COLOBOMA OF IRIS, CHOROID, AND RETINA; COLOBOMA, UVEORETINAL; Coloboma of eye; Coloboma. Identifiers: Orphanet 194, MedGen C0009363, MONDO:0001476, HP:0000589.
Dysmorphism. Identifiers: MedGen C1737329.
Isolated cerebellar hypoplasia/agenesis (CHEGDD). Also called: Cerebellar hypoplasia/atrophy, epilepsy, and global developmental delay. Identifiers: Orphanet 1398, Orphanet 2246, MedGen C5231391, MONDO:0008939, OMIM 213000.
Intellectual disability. Also called: intellectual disabilities; Intellectual functioning disability; Intellectual developmental disorder. Identifiers: MedGen C3714756, MeSH D008607, MONDO:0001071, HP:0001249.
Epilepsy. Also called: Seizure disorder. Identifiers: MedGen C0014544, MeSH D004827, MONDO:0005027.
Developmental delay. Also called: Delayed development. Identifiers: MedGen C0424605.
Inborn genetic diseases. Identifiers: MedGen C0950123, MeSH D030342.

Submissions (6):

3billion
Classification: Pathogenic for WDR37-related disorder. Last evaluated: 2025-06-02. Review status: criteria provided, single submitter. Criteria: ACMG Guidelines, 2015. Collection method: clinical testing. Allele origin: germline. Affected: yes.
Comment: The variant is not observed in the gnomAD v4.1.0 dataset. Predicted Consequence/Location: Missense variant. Missense changes are a common disease-causing mechanism. Damaging effect on gene or gene product predicted by in silico programs is uncertain [REVEL: 0.41 (damaging >=0.6, benign <0.4), 3Cnet: 0.07 (damaging >0.75, benign <0.1)]. The same nucleotide change resulting in the same amino acid change has been previously reported as pathogenic/likely pathogenic with strong evidence (ClinVar ID: VCV000633618). The variant has been previously reported as de novo in at least two similarly affected unrelated individuals (PMID: 31327508, 31327510). The variant has been observed in at least two similarly affected unrelated individuals (PMID: 31327508, 31327510). Therefore, this variant is classified as Pathogenic according to the recommendation of ACMG/AMP guideline.

Ambry Genetics
Classification: Pathogenic for Inborn genetic diseases. Last evaluated: 2022-06-07. Review status: criteria provided, single submitter. Criteria: Ambry Variant Classification Scheme 2023. Collection method: clinical testing. Allele origin: germline.
Comment: The c.389C>T (p.T130I) alteration is located in exon 5 (coding exon 4) of the WDR37 gene. This alteration results from a C to T substitution at nucleotide position 389, causing the threonine (T) at amino acid position 130 to be replaced by an isoleucine (I). This variant was not reported in population-based cohorts in the Genome Aggregation Database (gnomAD). This alteration has been reported de novo in multiple patients with clinical features consistent with WDR37-related neurooculocardiogenitourinary syndrome (Kanca, 2019; Reis, 2019; Gubbels, 2020). This amino acid position is highly conserved in available vertebrate species. The in silico prediction for this alteration is inconclusive. Based on the available evidence, this alteration is classified as pathogenic.

Mendelics
Classification: Pathogenic for Neurooculocardiogenitourinary syndrome. Last evaluated: 2022-05-04. Review status: criteria provided, single submitter. Criteria: Mendelics Assertion Criteria 2019. Collection method: clinical testing. Allele origin: germline.

Undiagnosed Diseases Program Translational Research Laboratory, National Institutes of Health
Classification: Likely pathogenic for Developmental delay; Dysmorphism; Intellectual disability; Cerebellar hypoplasia; Epilepsy; Coloboma. Last evaluated: 2019-05-06. Review status: criteria provided, single submitter. Criteria: UDP ClinVar Assertion WDR37 050619. Collection method: research. Allele origin: de novo. Affected: yes. Observed: 1 variant allele.

Suma Genomics
Classification: Pathogenic for Neurooculocardiogenitourinary syndrome. Review status: criteria provided, single submitter. Criteria: ACMG Guidelines, 2015. Collection method: clinical testing. Allele origin: de novo. Inheritance: Autosomal dominant inheritance. Affected: yes.

OMIM
Classification: Pathogenic for NEUROOCULOCARDIOGENITOURINARY SYNDROME. Last evaluated: 2024-09-23. Review status: no assertion criteria provided. Collection method: literature only. Allele origin: germline. Not counted in ClinVar's aggregate classification.

Literature cited by the submitters: PubMed 31327510 (cited by 3 submitters); PubMed 31327508 (cited by 3billion and Ambry Genetics); PubMed 31780822 (cited by Ambry Genetics); PubMed 31491411 (cited by OMIM).

NM_014023.4(WDR37):c.389C>T (p.Thr130Ile)

Gene: WDR37 (WD repeat domain 37; plus strand). Cytogenetic location: 10p15.3.
Variant type: single nucleotide variant.
Coding change: c.389C>T on transcript NM_014023.4 (MANE Select); coding-DNA position 389, C replaced by T.
Protein change: p.Thr130Ile; replaces threonine 130 with isoleucine.
Molecular consequence: missense variant.
Genome position (GRCh38, 1-based): chr10:1,080,469, C>T. VCF-style: chr10-1080469-C-T. GRCh37 (hg19) VCF-style: chr10-1126409-C-T.
Other names: short protein forms T130I.
Identifiers: ClinVar variation 633618 (VCV000633618.10), dbSNP rs1589088703, ClinGen allele CA375856338.
Genomic context (GRCh38, chr10:1,080,469, plus strand): 5'-CAGCCAGTCACAGCACCAGCCAGCTCTCCCAGAAACTGAAGACCACTTACAAGGCTTCCA[C>T]CAGCAAGGTATGCAGGCCACTGGCTCTTGAGCCATCATGTGGTGGTTAAGGTGTGCAGAT-3'
Protein context (NP_054742.2, residues 120-140): QKLKTTYKAS[Thr130Ile]SKIVSSFKTT